The following is an entry in ClinVar:

NM_002775.5(HTRA1):c.496C>T (p.Arg166Cys)

Gene: HTRA1 (HtrA serine peptidase 1; plus strand). Cytogenetic location: 10q26.13.
Variant type: single nucleotide variant.
Coding change: c.496C>T on transcript NM_002775.5 (MANE Select); coding-DNA position 496, C replaced by T.
Protein change: p.Arg166Cys; replaces arginine 166 with cysteine.
Molecular consequence: missense variant.
Genome position (GRCh38, 1-based): chr10:122,488,925, C>T. VCF-style: chr10-122488925-C-T. GRCh37 (hg19) VCF-style: chr10-124248441-C-T.
Other names: c.496C>T (NM_002775.4); short protein forms R166C.
Identifiers: ClinVar variation 1325819 (VCV001325819.9), dbSNP rs2097494390, ClinGen allele CA378579774.

ClinVar aggregate classification (germline): Pathogenic/Likely pathogenic. Review status: criteria provided, multiple submitters, no conflicts (2 of 4 stars). 4 submissions from 4 submitters: Pathogenic (1); Likely pathogenic (3). Last evaluated 2026-01-15.

Conditions:
HTRA1-related disorder. Also called: HTRA1-related condition.
Cerebral arteriopathy, autosomal dominant, with subcortical infarcts and leukoencephalopathy, type 2 (CADASIL2). Identifiers: MedGen C4225211, MONDO:0014768, OMIM 616779.

Allele frequency attached by ClinVar (database versions not stated): gnomAD exomes 0.00001.

Submissions (4):

3billion
Classification: Likely pathogenic for HTRA1-related disorder. Last evaluated: 2026-01-15. Review status: criteria provided, single submitter. Criteria: ACMG Guidelines, 2015. Collection method: clinical testing. Allele origin: germline. Affected: yes.
Comment: The variant is observed at an extremely low frequency in the gnomAD v4.1.0 dataset (total allele frequency: 0.001%). Predicted Consequence/Location: Missense variant In silico tool predictions suggest damaging effect of the variant on gene or gene product [REVEL: 0.86 (>=0.6, sensitivity 0.68 and specificity 0.92); 3Cnet: 0.96 (> 0.75, sensitivity 0.96 and precision 0.92)]. The same nucleotide change resulting in the same amino acid change has been previously reported as pathogenic/likely pathogenic with strong evidence (ClinVar ID: VCV001325819 /PMID: 25712943; 30447605; 28402226). Different missense changes at the same codon (p.Arg166His, p.Arg166Leu) have been reported as pathogenic/likely pathogenic with strong evidence (ClinVar ID: VCV000221228, VCV001910224 /PMID: 26063658, 39196222 /3billion dataset). Therefore, this variant is classified as Likely pathogenic according to the recommendation of ACMG/AMP guideline.

GeneDx
Classification: Likely pathogenic. Last evaluated: 2025-06-20. Review status: criteria provided, single submitter. Criteria: GeneDx Variant Classification Process June 2021. Collection method: clinical testing. Allele origin: germline. Affected: yes.
Comment: Reported in the heterozygous state in an adult with sudden unexplained death; this individual was reportedly previously healthy and no autopsy findings were identified (PMID: 39272661); Not observed at significant frequency in large population cohorts (gnomAD); Published functional studies demonstrate a damaging effect on protein activity and trimerization (PMID: 31316458); In silico analysis supports that this missense variant has a deleterious effect on protein structure/function; This variant is associated with the following publications: (PMID: 27634960, 28402226, Santo_2019_Case Report, 36035189, 31316458, 32445900, 35946346, 33109952, 35699195, Yamashita_2019_Case Report, 30447605, 32719647, 25712943, 36261288, 36524103, 37016629, 38176524, 39272661, Zhang_2021_Case Report)

Labcorp Genetics (formerly Invitae), Labcorp
Classification: Pathogenic. Last evaluated: 2023-07-21. Review status: criteria provided, single submitter. Criteria: Invitae Variant Classification Sherloc (09022015). Collection method: clinical testing. Allele origin: germline.
Comment: This sequence change replaces arginine, which is basic and polar, with cysteine, which is neutral and slightly polar, at codon 166 of the HTRA1 protein (p.Arg166Cys). This variant is not present in population databases (gnomAD no frequency). This missense change has been observed in individuals with HTRA1- related conditions (PMID: 25712943, 28402226, 30447605). It has also been observed to segregate with disease in related individuals. ClinVar contains an entry for this variant (Variation ID: 1325819). Advanced modeling of protein sequence and biophysical properties (such as structural, functional, and spatial information, amino acid conservation, physicochemical variation, residue mobility, and thermodynamic stability) performed at Invitae indicates that this missense variant is expected to disrupt HTRA1 protein function. Experimental studies have shown that this missense change affects HTRA1 function (PMID: 31316458). For these reasons, this variant has been classified as Pathogenic.

Institute of Human Genetics, University of Leipzig Medical Center
Classification: Likely pathogenic for Cerebral arteriopathy, autosomal dominant, with subcortical infarcts and leukoencephalopathy, type 2. Last evaluated: 2021-11-03. Review status: criteria provided, single submitter. Criteria: ACMG Guidelines, 2015. Collection method: clinical testing. Allele origin: unknown. Affected: yes.
Comment: _x000D_ Criteria applied: PS3_MOD, PS4_MOD, PM2_SUP, PP3

Literature cited by the submitters: PubMed 25712943 (cited by 3billion and Labcorp Genetics (formerly Invitae), Labcorp); PubMed 26063658 (cited by 3billion); PubMed 28402226 (cited by Labcorp Genetics (formerly Invitae), Labcorp); PubMed 30447605 (cited by Labcorp Genetics (formerly Invitae), Labcorp); PubMed 31316458 (cited by Labcorp Genetics (formerly Invitae), Labcorp).